The following is an entry in ClinVar:

ClinVar aggregate classification (germline): Uncertain significance (1 of 4 stars; one submission).

Submission:

Labcorp Genetics (formerly Invitae), Labcorp
Classification: Uncertain significance. Last evaluated: 2024-10-21. Review status: criteria provided, single submitter. Criteria: Invitae Variant Classification Sherloc (09022015). Collection method: clinical testing. Allele origin: germline.
Comment: This sequence change creates a premature translational stop signal (p.Arg454*) in the GABRB1 gene. While this is not anticipated to result in nonsense mediated decay, it is expected to disrupt the last 21 amino acid(s) of the GABRB1 protein. This variant is not present in population databases (gnomAD no frequency). This variant has not been reported in the literature in individuals affected with GABRB1-related conditions. In summary, the available evidence is currently insufficient to determine the role of this variant in disease. Therefore, it has been classified as a Variant of Uncertain Significance.

NM_000812.4(GABRB1):c.1360C>T (p.Arg454Ter)

Gene: GABRB1 (gamma-aminobutyric acid type A receptor subunit beta1; plus strand). Cytogenetic location: 4p12.
Variant type: single nucleotide variant.
Coding change: c.1360C>T on transcript NM_000812.4 (MANE Select); coding-DNA position 1360, C replaced by T.
Protein change: p.Arg454Ter; replaces arginine 454 with a stop codon.
Molecular consequence: nonsense.
Genome position (GRCh38, 1-based): chr4:47,425,953, C>T. VCF-style: chr4-47425953-C-T. GRCh37 (hg19) VCF-style: chr4-47427970-C-T.
Other names: short protein forms R454*.
Identifiers: ClinVar variation 3673956 (VCV003673956.2).